The following is an entry in ClinVar:

ClinVar aggregate classification (germline): Pathogenic/Likely pathogenic. Review status: criteria provided, multiple submitters, no conflicts (2 of 4 stars). 10 submissions from 10 submitters: Pathogenic (5); Likely pathogenic (1). 4 of the submissions do not count toward it. Last evaluated 2026-04-29.

Conditions:
RYR1-related disorder. Also called: RYR1-related condition; RYR1-related disorders. Identifiers: MedGen CN239331.
Malignant hyperthermia, susceptibility to, 1 (MHS1). Also called: RYR1-Related Malignant Hyperthermia Susceptibility; Malignant hyperthermia suceptibility 1; Anesthesia related hyperthermia; Malignant hyperpyrexia; Fulminating hyperpyrexia; Pharmacogenic myopathy. Identifiers: Orphanet 423, MedGen C2930980, MONDO:0007783, OMIM 145600.
King Denborough syndrome (KDS). Identifiers: MedGen C1840365, MONDO:0020485, OMIM 619542.
Central core myopathy (CMYO1A). Also called: CONGENITAL MYOPATHY 1A, AUTOSOMAL DOMINANT, WITH SUSCEPTIBILITY TO MALIGNANT HYPERTHERMIA; Central core disease; Myopathy, central fibrillar. Identifiers: Orphanet 597, MedGen C5830701, MONDO:0007294, OMIM 117000.
Congenital multicore myopathy with external ophthalmoplegia (CMYO1B). Also called: Congenital myopathy 1B, autosomal recessive; Minicore myopathy; Minicore myopathy with external ophthalmoplegia; MULTIMINICORE DISEASE WITH EXTERNAL OPHTHALMOPLEGIA; MULTICORE MYOPATHY. Identifiers: Orphanet 598, Orphanet 98905, MedGen C1850674, MONDO:0009712, OMIM 255320, HP:0003789.
Congenital myopathy with fiber type disproportion. Also called: Congenital fiber-type disproportion; Congenital fiber-type disproportion myopathy. Identifiers: Orphanet 2020, MedGen C0546264, MONDO:0009711. Inheritance: all.

Allele frequency attached by ClinVar (database versions not stated): gnomAD exomes below 0.00001.
gnomAD v4.1: 1 of 1,613,910 alleles (0.000062%); highest among the groups gnomAD compares: Non-Finnish European, 0.000085%; no homozygotes.

Submissions (10):

Service of Pediatric Gastrohepatology and Metabolic Diseases, University of Medicine of Tirana
Classification: Pathogenic for Malignant hyperthermia, susceptibility to, 1. Last evaluated: 2026-04-29. Review status: criteria provided, single submitter. Criteria: ACMG Guidelines, 2015. Collection method: clinical testing. Allele origin: germline. Inheritance: Autosomal dominant inheritance. Affected: yes. Observed: 1 variant allele.
Comment: RYR1 c.14677C>T was classified as Pathogenic using ACMG/AMP 2015 criteria (PMID:25741868). Evidence considered includes established disease relevance for the affected RYR1 residue/region where applicable, PM2 for rarity/absence in population datasets when reviewed, PP3 for deleterious computational prediction, and PP4 for phenotype consistency with RYR1-related malignant hyperthermia susceptibility (OMIM:145600).

GeneDx
Classification: Pathogenic. Last evaluated: 2024-07-20. Review status: criteria provided, single submitter. Criteria: GeneDx Variant Classification Process June 2021. Collection method: clinical testing. Allele origin: germline. Affected: yes.
Comment: Published functional studies show that R4893W damages channel function by abolishing or greatly reducing voltage-gated Ca2+ release (PMID: 12642598, 23308296); Not observed at significant frequency in large population cohorts (gnomAD); This variant is associated with the following publications: (PMID: 15175001, 28164363, 11709545, 12642598, 15299003, 23308296, 33458582, 24950660, 14670767, 20681998, 33767344)

Labcorp Genetics (formerly Invitae), Labcorp
Classification: Pathogenic for RYR1-related disorder. Last evaluated: 2024-04-29. Review status: criteria provided, single submitter. Criteria: Invitae Variant Classification Sherloc (09022015). Collection method: clinical testing. Allele origin: germline.
Comment: This sequence change replaces arginine, which is basic and polar, with tryptophan, which is neutral and slightly polar, at codon 4893 of the RYR1 protein (p.Arg4893Trp). This variant is not present in population databases (gnomAD no frequency). This missense change has been observed in individuals with autosomal dominant RYR1-related myopathies (PMID: 11709545, 14670767, 15299003, 24950660). It has also been observed to segregate with disease in related individuals. ClinVar contains an entry for this variant (Variation ID: 65989). Advanced modeling of protein sequence and biophysical properties (such as structural, functional, and spatial information, amino acid conservation, physicochemical variation, residue mobility, and thermodynamic stability) performed at Invitae indicates that this missense variant is expected to disrupt RYR1 protein function with a positive predictive value of 95%. Experimental studies have shown that this missense change affects RYR1 function (PMID: 12642598, 15175001, 23308296, 24950660). For these reasons, this variant has been classified as Pathogenic.

Fulgent Genetics
Classification: Likely pathogenic for Central core myopathy; Malignant hyperthermia, susceptibility to, 1; Congenital myopathy 4A, autosomal dominant; Congenital multicore myopathy with external ophthalmoplegia; King Denborough syndrome. Last evaluated: 2022-01-17. Review status: criteria provided, single submitter. Criteria: ACMG Guidelines, 2015. Collection method: clinical testing. Allele origin: unknown.

Revvity Omics, Revvity
Classification: Pathogenic. Last evaluated: 2021-10-20. Review status: criteria provided, single submitter. Criteria: ACMG Guidelines, 2015. Collection method: clinical testing. Allele origin: germline.

PreventionGenetics, part of Exact Sciences
Classification: Pathogenic. Last evaluated: 2017-06-19. Review status: criteria provided, single submitter. Criteria: ACMG Guidelines, 2015. Collection method: clinical testing. Allele origin: germline.

GeneReviews
Classification: Pathogenic for Central Core Disease. Last evaluated: 2010-05-11. Review status: no assertion criteria provided. Collection method: curation. Allele origin: unknown. Not counted in ClinVar's aggregate classification.
ClinVar note: Converted during submission from pathologic to Pathogenic.

OMIM
Classification: Pathogenic for CONGENITAL MYOPATHY 1A, AUTOSOMAL DOMINANT. Last evaluated: 2003-12-01. Review status: no assertion criteria provided. Collection method: literature only. Allele origin: germline. Not counted in ClinVar's aggregate classification.

RYR1 database
No classification provided. Review status: no classification provided. Collection method: not provided. Allele origin: unknown. Not counted in ClinVar's aggregate classification.

All of Us Research Program, National Institutes of Health
Classification: Uncertain significance for Malignant hyperthermia, susceptibility to, 1. Last evaluated: 2023-12-13. Review status: flagged submission. Criteria: ACMG Guidelines, 2015. Collection method: clinical testing. Allele origin: germline. Inheritance: Autosomal dominant inheritance. Observed: 1 variant allele, 1 heterozygote. Not counted in ClinVar's aggregate classification.
Comment: This missense variant replaces arginine with tryptophan at codon 4893 of the RYR1 protein. Computational prediction suggests that this variant may have deleterious impact on protein structure and function. This variant occurs in a region of the RYR1 protein that is considered to be a hotspot for pathogenic variants that contribute to malignant hyperthermia susceptibility (PMID: 21118704). Functional studies have shown that this variant showed reduced calcium sensitivity and release in response to RYR1 agonists and voltage compared to wild-type (PMID: 12642598, 15175001, 15299003, 23308296). This variant has not been reported in individuals affected with autosomal dominant malignant hyperthermia in the literature, although it is associated with other phenotype(s) (ClinVar variation ID: 65989). This variant has not been identified in the general population by the Genome Aggregation Database (gnomAD). Due to insufficient evidence, this variant is classified as a Variant of Uncertain Significance for autosomal dominant malignant hyperthermia.

This study involves interpretation of variants in research participants for the purpose of population health screening. Participant phenotype was not available at the time of variant classification. Additional details can be found in publication PMID: 35346344, PMCID: PMC8962531
ClinVar note: Reason: Outlier claim with insufficient supporting evidence

Literature cited by the submitters: PubMed 11709545 (cited by Labcorp Genetics (formerly Invitae), Labcorp and OMIM); PubMed 14670767 (cited by Labcorp Genetics (formerly Invitae), Labcorp and OMIM); PubMed 15299003 (cited by Labcorp Genetics (formerly Invitae), Labcorp and All of Us Research Program, National Institutes of Health); PubMed 24950660 (cited by Labcorp Genetics (formerly Invitae), Labcorp); PubMed 12642598 (cited by Labcorp Genetics (formerly Invitae), Labcorp and All of Us Research Program, National Institutes of Health); PubMed 15175001 (cited by Labcorp Genetics (formerly Invitae), Labcorp and All of Us Research Program, National Institutes of Health); PubMed 23308296 (cited by Labcorp Genetics (formerly Invitae), Labcorp and All of Us Research Program, National Institutes of Health); PubMed 21118704 (cited by All of Us Research Program, National Institutes of Health).

NM_000540.3(RYR1):c.14677C>T (p.Arg4893Trp)

Gene: RYR1 (ryanodine receptor 1; plus strand). Cytogenetic location: 19q13.2.
Variant type: single nucleotide variant.
Coding change: c.14677C>T on transcript NM_000540.3 (MANE Select); coding-DNA position 14677, C replaced by T.
Protein change: p.Arg4893Trp; replaces arginine 4893 with tryptophan.
Molecular consequence: missense variant.
Genome position (GRCh38, 1-based): chr19:38,584,973, C>T. VCF-style: chr19-38584973-C-T. GRCh37 (hg19) VCF-style: chr19-39075613-C-T.
Other names: c.14662C>T, p.Arg4888Trp (NM_001042723.2); short protein forms R4893W, R4888W.
Identifiers: ClinVar variation 65989 (VCV000065989.21), dbSNP rs118192150, ClinGen allele CA024220.
Genomic context (GRCh38, chr19:38,584,973, plus strand): 5'-ATGAGTGACCAGTGTGCTCCCCTCCCTCAGTGTTACCTGTTTCACATGTACGTGGGTGTC[C>T]GGGCTGGCGGAGGCATTGGGGACGAGATCGAGGACCCCGCGGGTGACGAATACGAGCTCT-3'
Protein context (NP_000531.2, residues 4883-4903): CYLFHMYVGV[Arg4893Trp]AGGGIGDEIE